The following is an entry in ClinVar:

NM_203446.3(SYNJ1):c.1228G>A (p.Gly410Ser)

Gene: SYNJ1 (synaptojanin 1; minus strand). Cytogenetic location: 21q22.11.
Variant type: single nucleotide variant.
Coding change: c.1228G>A on transcript NM_203446.3 (MANE Select); coding-DNA position 1228, G replaced by A.
Protein change: p.Gly410Ser; replaces glycine 410 with serine.
Molecular consequence: missense variant.
Genome position (GRCh38, 1-based): chr21:32,681,621, C>T on the plus strand (G>A on the coding strand, the complement: SYNJ1 is on the minus strand). VCF-style: chr21-32681621-C-T. GRCh37 (hg19) VCF-style: chr21-34053931-C-T.
Other names: c.1228G>A, p.Gly410Ser (NM_001160302.2, NM_001160306.2); c.1345G>A, p.Gly449Ser (NM_003895.4); short protein forms G410S, G449S.
Identifiers: ClinVar variation 2003512 (VCV002003512.4), dbSNP rs745972290, ClinGen allele CA410090340.

ClinVar aggregate classification (germline): Uncertain significance (1 of 4 stars; one submission).

Conditions:
Developmental and epileptic encephalopathy, 53. Also called: Epileptic encephalopathy, early infantile, 53. Identifiers: MedGen C4479313, MONDO:0033362, OMIM 617389.
Early-onset Parkinson disease 20. Also called: PARKINSON DISEASE 20, AUTOSOMAL RECESSIVE EARLY-ONSET. Identifiers: Orphanet 391411, MedGen C3809824, MONDO:0014233, OMIM 615530.

Submission:

Labcorp Genetics (formerly Invitae), Labcorp
Classification: Uncertain significance for Developmental and epileptic encephalopathy, 53; Early-onset Parkinson disease 20. Last evaluated: 2022-06-08. Review status: criteria provided, single submitter. Criteria: Invitae Variant Classification Sherloc (09022015). Collection method: clinical testing. Allele origin: germline.
Comment: This variant has not been reported in the literature in individuals affected with SYNJ1-related conditions. In summary, the available evidence is currently insufficient to determine the role of this variant in disease. Therefore, it has been classified as a Variant of Uncertain Significance. Algorithms developed to predict the effect of missense changes on protein structure and function output the following: SIFT: "Tolerated"; PolyPhen-2: "Benign"; Align-GVGD: "Class C0". The serine amino acid residue is found in multiple mammalian species, which suggests that this missense change does not adversely affect protein function. This variant is not present in population databases (gnomAD no frequency). This sequence change replaces glycine, which is neutral and non-polar, with serine, which is neutral and polar, at codon 449 of the SYNJ1 protein (p.Gly449Ser).